The following is an entry in ClinVar:

ClinVar aggregate classification (germline): Pathogenic (1 of 4 stars; one submission).

Conditions:
Inborn genetic diseases. Identifiers: MedGen C0950123, MeSH D030342.

Submission:

Ambry Genetics
Classification: Pathogenic for Inborn genetic diseases. Last evaluated: 2021-06-17. Review status: criteria provided, single submitter. Criteria: Ambry Variant Classification Scheme 2023. Collection method: clinical testing. Allele origin: germline.
Comment: The c.1163delG (p.G388Efs*10) alteration, located in exon 14 (coding exon 14) of the RARS2 gene, consists of a deletion of one nucleotide at position 1163, causing a translational frameshift with a predicted alternate stop codon after 10 amino acids. This alteration is expected to result in loss of function by premature protein truncation or nonsense-mediated mRNA decay. Based on data from the Genome Aggregation Database (gnomAD), the RARS2 c.1163delG alteration was not observed, with coverage at this position. Based on the available evidence, this alteration is classified as pathogenic.

NM_020320.5(RARS2):c.1163del (p.Gly388fs)

Gene: RARS2 (arginyl-tRNA synthetase 2, mitochondrial; minus strand). Cytogenetic location: 6q15.
Variant type: Deletion.
Coding change: c.1163del on transcript NM_020320.5 (MANE Select); coding-DNA position 1163, one base deleted (G; older notation c.1163delG).
Protein change: p.Gly388fs; shifts the reading frame from glycine 388.
Molecular consequence: frameshift variant. On other transcripts: non-coding transcript variant (23).
Genome position (GRCh38, 1-based): chr6:87,519,657, C deleted on the plus strand (G on the coding strand, the reverse complement: RARS2 is on the minus strand); the first of 2 consecutive C bases (chr6:87,519,657-87,519,658); deleting either gives the same sequence. VCF-style (leftmost placement, unchanged base first): chr6-87519656-TC-T. GRCh37 (hg19) VCF-style: chr6-88229374-TC-T.
Other names: c.638del, p.Gly213fs (NM_001318785.2, NM_001350506.2, NM_001350507.2 and 4 more transcripts); c.1163del, p.Gly388fs (NM_001350505.2); short protein forms G388fs, G213fs.
Identifiers: ClinVar variation 2231814 (VCV002231814.2), dbSNP rs2483160388, ClinGen allele CA2580075961.